The following is an entry in ClinVar:

ClinVar aggregate classification (germline): Uncertain significance (1 of 4 stars; one submission).

Allele frequency attached by ClinVar (database versions not stated): ExAC 0.00002; gnomAD exomes 0.00002 and 0.00004; TOPMed 0.00004; gnomAD 0.00007 and 0.00008.
gnomAD v4.1: 39 of 1,614,114 alleles (0.0024%); highest among the groups gnomAD compares: African/African-American, 0.02%; no homozygotes.

Submission:

Labcorp Genetics (formerly Invitae), Labcorp
Classification: Uncertain significance. Last evaluated: 2021-08-14. Review status: criteria provided, single submitter. Criteria: Invitae Variant Classification Sherloc (09022015). Collection method: clinical testing. Allele origin: germline.
Comment: This sequence change replaces arginine with glycine at codon 855 of the CENPJ protein (p.Arg855Gly). The arginine residue is weakly conserved and there is a moderate physicochemical difference between arginine and glycine. This variant is present in population databases (rs746489468, ExAC 0.03%). This variant has not been reported in the literature in individuals affected with CENPJ-related conditions. Algorithms developed to predict the effect of missense changes on protein structure and function output the following: SIFT: "Tolerated"; PolyPhen-2: "Benign"; Align-GVGD: "Class C0". The glycine amino acid residue is found in multiple mammalian species, which suggests that this missense change does not adversely affect protein function. In summary, the available evidence is currently insufficient to determine the role of this variant in disease. Therefore, it has been classified as a Variant of Uncertain Significance.

NM_018451.5(CPAP):c.2563A>G (p.Arg855Gly)

Gene: CPAP (centrosome assembly and centriole elongation protein; minus strand). Cytogenetic location: 13q12.13.
Variant type: single nucleotide variant.
Coding change: c.2563A>G on transcript NM_018451.5 (MANE Select); coding-DNA position 2563, A replaced by G.
Protein change: p.Arg855Gly; replaces arginine 855 with glycine.
Molecular consequence: missense variant. On other transcripts: non-coding transcript variant (2).
Genome position (GRCh38, 1-based): chr13:24,905,475, T>C on the plus strand (A>G on the coding strand, the complement: CPAP is on the minus strand). VCF-style: chr13-24905475-T-C. GRCh37 (hg19) VCF-style: chr13-25479613-T-C.
Other names: short protein forms R855G.
Identifiers: ClinVar variation 1492871 (VCV001492871.5), dbSNP rs746489468, ClinGen allele CA6919578.